The following is an entry in ClinVar:

NM_001447.3(FAT2):c.5924C>A (p.Ala1975Glu)

Genes: FAT2 (FAT atypical cadherin 2; minus strand), SLC36A1 (solute carrier family 36 member 1; plus strand). Cytogenetic location: 5q33.1.
Variant type: single nucleotide variant.
Coding change: c.5924C>A on transcript NM_001447.3 (MANE Select); coding-DNA position 5924, C replaced by A.
Protein change: p.Ala1975Glu; replaces alanine 1975 with glutamic acid.
Molecular consequence: missense variant.
Genome position (GRCh38, 1-based): chr5:151,545,203, G>T on the plus strand (C>A on the coding strand, the complement: FAT2 is on the minus strand). VCF-style: chr5-151545203-G-T. GRCh37 (hg19) VCF-style: chr5-150924764-G-T.
Other names: c.5924C>A (NM_001447.2); short protein forms A1975E.
Identifiers: ClinVar variation 3009279 (VCV003009279.4), dbSNP rs1756504927, ClinGen allele CA361840709.

ClinVar aggregate classification (germline): Uncertain significance. Review status: criteria provided, multiple submitters, no conflicts (2 of 4 stars). 2 submissions from 2 submitters: Uncertain significance (2). Last evaluated 2024-09-03.

Allele frequency attached by ClinVar (database versions not stated): gnomAD exomes below 0.00001; TOPMed below 0.00001.
gnomAD v4.1: 3 of 1,614,184 alleles (0.00019%); highest among the groups gnomAD compares: Non-Finnish European, 0.00025%; no homozygotes.

Submissions (2):

Ambry Genetics
Classification: Uncertain significance. Last evaluated: 2024-09-03. Review status: criteria provided, single submitter. Criteria: Ambry Variant Classification Scheme 2023. Collection method: clinical testing. Allele origin: germline.

Labcorp Genetics (formerly Invitae), Labcorp
Classification: Uncertain significance. Last evaluated: 2023-06-20. Review status: criteria provided, single submitter. Criteria: Invitae Variant Classification Sherloc (09022015). Collection method: clinical testing. Allele origin: germline.
Comment: This variant is not present in population databases (gnomAD no frequency). This variant has not been reported in the literature in individuals affected with FAT2-related conditions. An algorithm developed to predict the effect of missense changes on protein structure and function (PolyPhen-2) suggests that this variant is likely to be disruptive. In summary, the available evidence is currently insufficient to determine the role of this variant in disease. Therefore, it has been classified as a Variant of Uncertain Significance. This sequence change replaces alanine, which is neutral and non-polar, with glutamic acid, which is acidic and polar, at codon 1975 of the FAT2 protein (p.Ala1975Glu).